The following is an entry in ClinVar:

NM_001375808.2(LPIN2):c.1068A>G (p.Ser356=)

Gene: LPIN2 (lipin 2; minus strand). Cytogenetic location: 18p11.31.
Variant type: single nucleotide variant.
Coding change: c.1068A>G on transcript NM_001375808.2 (MANE Select); coding-DNA position 1068, A replaced by G.
Protein change: p.Ser356=; no amino-acid change (serine 356 retained).
Molecular consequence: synonymous variant.
Genome position (GRCh38, 1-based): chr18:2,937,792, T>C on the plus strand (A>G on the coding strand, the complement: LPIN2 is on the minus strand). VCF-style: chr18-2937792-T-C. GRCh37 (hg19) VCF-style: chr18-2937790-T-C.
Other names: c.1068A>G, p.Ser356= (NM_001375809.1, NM_014646.2).
Identifiers: ClinVar variation 4085531 (VCV004085531.8).

ClinVar aggregate classification (germline): Likely benign (1 of 4 stars; one submission).

gnomAD v4.1: 1 of 1,614,074 alleles (0.000062%); highest among the groups gnomAD compares: South Asian, 0.0011%; no homozygotes.

Submission:

CeGaT Center for Human Genetics Tuebingen
Classification: Likely benign. Last evaluated: 2025-07-01. Review status: criteria provided, single submitter. Criteria: CeGaT Center For Human Genetics Tuebingen Variant Classification Criteria Version 2. Collection method: clinical testing. Allele origin: germline. Affected: yes. Observed: 1 variant allele.
Comment: LPIN2: BP4, BP7